The following is an entry in ClinVar:

NM_018433.6(KDM3A):c.1250G>T (p.Cys417Phe)

Gene: KDM3A (lysine demethylase 3A; plus strand). Cytogenetic location: 2p11.2.
Variant type: single nucleotide variant.
Coding change: c.1250G>T on transcript NM_018433.6 (MANE Select); coding-DNA position 1250, G replaced by T.
Protein change: p.Cys417Phe; replaces cysteine 417 with phenylalanine.
Molecular consequence: missense variant.
Genome position (GRCh38, 1-based): chr2:86,466,614, G>T. VCF-style: chr2-86466614-G-T. GRCh37 (hg19) VCF-style: chr2-86693737-G-T.
Other names: c.1250G>T, p.Cys417Phe (NM_001146688.2); c.1250G>T (NM_018433.5); short protein forms C417F.
Identifiers: ClinVar variation 2651101 (VCV002651101.25), dbSNP rs143405154, ClinGen allele CA1749334.

ClinVar aggregate classification (germline): Likely benign. Review status: criteria provided, multiple submitters, no conflicts (2 of 4 stars). 2 submissions from 2 submitters: Likely benign (2). Last evaluated 2025-09-10.

Conditions:
KDM3A-related disorder. Also called: KDM3A-related condition.

Allele frequency attached by ClinVar (database versions not stated): 1000 Genomes Project 0.00040; 1000 Genomes Project 30x 0.00047; TOPMed 0.00130; gnomAD 0.00157; ESP Exome Variant Server 0.00161; gnomAD exomes 0.00171; ExAC 0.00182.
gnomAD v4.1: 2,699 of 1,613,936 alleles (0.17%); highest among the groups gnomAD compares: Non-Finnish European, 0.2%; 8 homozygotes.

Submissions (2):

PreventionGenetics, part of Exact Sciences
Classification: Likely benign for KDM3A-related condition. Last evaluated: 2025-09-10. Review status: criteria provided, single submitter. Criteria: ACMG Guidelines, 2015. Collection method: clinical testing. Allele origin: germline.
Comment: This variant is classified as likely benign based on ACMG/AMP sequence variant interpretation guidelines (Richards et al. 2015 PMID: 25741868, with internal and published modifications).

CeGaT Center for Human Genetics Tuebingen
Classification: Likely benign. Last evaluated: 2022-12-01. Review status: criteria provided, single submitter. Criteria: CeGaT Center For Human Genetics Tuebingen Variant Classification Criteria Version 2. Collection method: clinical testing. Allele origin: germline. Affected: yes. Observed: 1 variant allele.
Comment: KDM3A: BP4, BS2